The following is an entry in ClinVar:

NM_020750.3(XPO5):c.3236G>A (p.Gly1079Asp)

Genes: POLR1C (RNA polymerase I and III subunit C; plus strand), XPO5 (exportin 5; minus strand). Cytogenetic location: 6p21.1.
Variant type: single nucleotide variant.
Coding change: c.3236G>A on transcript NM_020750.3 (MANE Select); coding-DNA position 3236, G replaced by A.
Protein change: p.Gly1079Asp; replaces glycine 1079 with aspartic acid.
Molecular consequence: missense variant. On other transcripts: non-coding transcript variant (1), intron variant (2).
Genome position (GRCh38, 1-based): chr6:43,524,907, C>T on the plus strand (G>A on the coding strand, the complement: XPO5 is on the minus strand). VCF-style: chr6-43524907-C-T. GRCh37 (hg19) VCF-style: chr6-43492645-C-T.
Other names: c.922+3859C>T (NM_001363658.2, NM_001318876.2); short protein forms G1079D.
Identifiers: ClinVar variation 3610541 (VCV003610541.2).

ClinVar aggregate classification (germline): Uncertain significance (1 of 4 stars; one submission).

gnomAD v4.1: 1 of 1,614,024 alleles (0.000062%); highest among the groups gnomAD compares: Non-Finnish European, 0.000085%; no homozygotes.

Submission:

Labcorp Genetics (formerly Invitae), Labcorp
Classification: Uncertain significance. Last evaluated: 2024-02-15. Review status: criteria provided, single submitter. Criteria: Invitae Variant Classification Sherloc (09022015). Collection method: clinical testing. Allele origin: germline.
Comment: This sequence change replaces glycine, which is neutral and non-polar, with aspartic acid, which is acidic and polar, at codon 1079 of the XPO5 protein (p.Gly1079Asp). This variant is not present in population databases (gnomAD no frequency). This variant has not been reported in the literature in individuals affected with XPO5-related conditions. An algorithm developed to predict the effect of missense changes on protein structure and function (PolyPhen-2) suggests that this variant is likely to be disruptive. In summary, the available evidence is currently insufficient to determine the role of this variant in disease. Therefore, it has been classified as a Variant of Uncertain Significance.